The following is an entry in ClinVar:

ClinVar aggregate classification (germline): Pathogenic (1 of 4 stars; one submission).

Conditions:
Hereditary cancer-predisposing syndrome. Also called: Tumor predisposition; Hereditary neoplastic syndrome; Hereditary Cancer Syndrome; Neoplastic Syndromes, Hereditary. Identifiers: Orphanet 140162, MedGen C0027672, MeSH D009386, MONDO:0015356.

Submission:

Ambry Genetics
Classification: Pathogenic for Hereditary cancer-predisposing syndrome. Last evaluated: 2025-04-22. Review status: criteria provided, single submitter. Criteria: Ambry Variant Classification Scheme 2023. Collection method: clinical testing. Allele origin: germline.
Comment: The p.Y73* pathogenic mutation (also known as c.219T>A), located in coding exon 3 of the POT1 gene, results from a T to A substitution at nucleotide position 219. This changes the amino acid from a tyrosine to a stop codon within coding exon 3. This variant is considered to be rare based on population cohorts in the Genome Aggregation Database (gnomAD). This alteration is expected to result in loss of function by premature protein truncation or nonsense-mediated mRNA decay. As such, this alteration is interpreted as a disease-causing mutation.

NM_015450.3(POT1):c.219T>A (p.Tyr73Ter)

Gene: POT1 (protection of telomeres 1; minus strand). Cytogenetic location: 7q31.33.
Variant type: single nucleotide variant.
Coding change: c.219T>A on transcript NM_015450.3 (MANE Select); coding-DNA position 219, T replaced by A.
Protein change: p.Tyr73Ter; replaces tyrosine 73 with a stop codon.
Molecular consequence: nonsense. On other transcripts: non-coding transcript variant (3), intron variant (1).
Genome position (GRCh38, 1-based): chr7:124,870,947, A>T on the plus strand (T>A on the coding strand, the complement: POT1 is on the minus strand). VCF-style: chr7-124870947-A-T. GRCh37 (hg19) VCF-style: chr7-124511001-A-T.
Other names: c.-138-7307T>A (NM_001042594.2); short protein forms Y73*.
Identifiers: ClinVar variation 3936271 (VCV003936271.1).
Genomic context (GRCh38, chr7:124,870,947, plus strand): 5'-AGTTCTAGACAATATGAATTATACCTTCAGCCTGTGAAAGCGAACAATATCTCCATTTTT[A>T]TAAATTATTGGAAGGGCTTCATAGTTTCCACTAAAGAGCAGGCAAGTTAGTTTTACATTT-3'